The following is an entry in ClinVar:

NM_000292.3(PHKA2):c.977G>A (p.Cys326Tyr)

Gene: PHKA2 (phosphorylase kinase regulatory subunit alpha 2; minus strand). Cytogenetic location: Xp22.13.
Variant type: single nucleotide variant.
Coding change: c.977G>A on transcript NM_000292.3 (MANE Select); coding-DNA position 977, G replaced by A.
Protein change: p.Cys326Tyr; replaces cysteine 326 with tyrosine.
Molecular consequence: missense variant.
Genome position (GRCh38, 1-based): chrX:18,938,691, C>T on the plus strand (G>A on the coding strand, the complement: PHKA2 is on the minus strand). VCF-style: chrX-18938691-C-T. GRCh37 (hg19) VCF-style: chrX-18956809-C-T.
Other names: short protein forms C326Y.
Identifiers: ClinVar variation 643025 (VCV000643025.11), dbSNP rs1601758342, ClinGen allele CA412396605.

ClinVar aggregate classification (germline): Uncertain significance. Review status: criteria provided, multiple submitters, no conflicts (2 of 4 stars). 2 submissions from 2 submitters: Uncertain significance (2). Last evaluated 2021-09-24.

Conditions:
Glycogen storage disease IXa1. Also called: GLYCOGEN STORAGE DISEASE VIII; GSD VIII; LIVER GLYCOGENOSIS, X-LINKED, TYPE I; Glycogen storage disease 8. Identifiers: Orphanet 264580, MedGen C3694531, MONDO:0010598, OMIM 306000.

Submissions (2):

Revvity Omics, Revvity
Classification: Uncertain significance for Glycogen storage disease IXa1. Last evaluated: 2021-09-24. Review status: criteria provided, single submitter. Criteria: ACMG Guidelines, 2015. Collection method: clinical testing. Allele origin: germline.

Labcorp Genetics (formerly Invitae), Labcorp
Classification: Uncertain significance for Glycogen storage disease IXa1. Last evaluated: 2018-10-14. Review status: criteria provided, single submitter. Criteria: Invitae Variant Classification Sherloc (09022015). Collection method: clinical testing. Allele origin: germline.
Comment: This variant has been observed in an individual affected with glycogen storage disease (PMID: 21646031). Algorithms developed to predict the effect of missense changes on protein structure and function are either unavailable or do not agree on the potential impact of this missense change (SIFT: "Deleterious"; PolyPhen-2: "Probably Damaging"; Align-GVGD: "Class C0"). In summary, the available evidence is currently insufficient to determine the role of this variant in disease. Therefore, it has been classified as a Variant of Uncertain Significance. This sequence change replaces cysteine with tyrosine at codon 326 of the PHKA2 protein (p.Cys326Tyr). The cysteine residue is highly conserved and there is a large physicochemical difference between cysteine and tyrosine. This variant is not present in population databases (ExAC no frequency).

Literature cited by the submitters: PubMed 21646031 (cited by Labcorp Genetics (formerly Invitae), Labcorp).